The following is an entry in ClinVar:

ClinVar aggregate classification (germline): Benign. Review status: reviewed by expert panel (3 of 4 stars). 19 submissions from 19 submitters: Benign (1). 18 of the submissions do not count toward it. Last evaluated 2024-03-15.

Conditions:
ENG-related disorder. Also called: ENG-related disorders; ENG-related condition.
Cardiovascular phenotype. Identifiers: MedGen CN230736.
Hereditary hemorrhagic telangiectasia (HHT). Also called: ORW DISEASE; Osler Weber Rendu syndrome; OSLER-RENDU-WEBER DISEASE; Osler hemorrhagic telangiectasia syndrome. Identifiers: Orphanet 774, MedGen C0039445, MONDO:0019180. Disease mechanism: loss of function.
Telangiectasia, hereditary hemorrhagic, type 1 (HHT1). Also called: Osler Weber Rendu syndrome type 1; ENG-Related Hereditary Hemorrhagic Telangiectasia. Identifiers: Orphanet 774, MedGen C4551861, MONDO:0008535, OMIM 187300. Disease mechanism: loss of function.

Allele frequency attached by ClinVar (database versions not stated): 1000 Genomes Project 0.00319; 1000 Genomes Project 30x 0.00344; gnomAD exomes 0.00882 and 0.01444; TOPMed 0.00911; gnomAD 0.00980 and 0.01000; ESP Exome Variant Server 0.01025; ExAC 0.01522.
gnomAD v4.1: 22,210 of 1,597,400 alleles (1.4%); highest among the groups gnomAD compares: Non-Finnish European, 1.7%; 180 homozygotes.

Submissions (19):

ClinGen Hereditary Hemorrhagic Telangiectasia Variant Curation Expert Panel, ClinGen
Classification: Benign for Telangiectasia, hereditary hemorrhagic, type 1. Last evaluated: 2024-03-15. Review status: reviewed by expert panel. Criteria: ClinGen HHT ACMG Specifications ENG V1.1.0. Collection method: curation. Allele origin: germline. Inheritance: Autosomal dominant inheritance.
Comment: The NM_001114753.3: c.572G>A variant in ENG is a missense variant predicted to cause substitution of glycine by aspartic acid at amino acid 191 (p.Gly191Asp). The filtering allele frequency (the lower threshold of the 95% CI of 1725/109328) of the c.572G>A variant in ENG is 0.01669 for European (non-Finnish) chromosomes by gnomAD v2.1.1, which is higher than the ClinGen Hereditary Hemorrhagic Telangiectasia Variant Curation Expert Panel threshold (>0.01) for BA1, and therefore meets this criterion (BA1). This variant has been observed in at least 2 patients with an alternate molecular basis for disease (patients also carry likely pathogenic/pathogenic ACVRL1 variant) (BP5; PMID: 32573726, Internal lab contributors). The computational predictor REVEL gives a score of 0.275, which is neither above nor below the thresholds predicting a damaging or benign impact on ENG function. In summary, this variant meets the criteria to be classified as benign for autosomal dominant hereditary hemorrhagic telangiectasia based on the ACMG/AMP criteria applied, as specified by the ClinGen Hereditary Hemorrhagic Telangiectasia Variant Curation Expert Panel: BA1, BP5 (specification version 1.0.0; 1/4/2024).

CeGaT Center for Human Genetics Tuebingen
Classification: Benign. Last evaluated: 2026-09-01. Review status: criteria provided, single submitter. Criteria: CeGaT Center For Human Genetics Tuebingen Variant Classification Criteria Version 2. Collection method: clinical testing. Allele origin: germline. Affected: yes. Observed: 64 variant alleles. Not counted in ClinVar's aggregate classification.
Comment: ENG: BS1, BS2

Labcorp Genetics (formerly Invitae), Labcorp
Classification: Benign for Hereditary hemorrhagic telangiectasia. Last evaluated: 2026-02-03. Review status: criteria provided, single submitter. Criteria: Invitae Variant Classification Sherloc (09022015). Collection method: clinical testing. Allele origin: germline. Not counted in ClinVar's aggregate classification.

ARUP Laboratories, Molecular Genetics and Genomics, ARUP Laboratories
Classification: Benign for Telangiectasia, hereditary hemorrhagic, type 1. Last evaluated: 2025-07-17. Review status: criteria provided, single submitter. Criteria: ARUP Molecular Germline Variant Investigation Process 2024. Collection method: clinical testing. Allele origin: germline. Not counted in ClinVar's aggregate classification.

Impact Genetics, Dynacare/LabCorp
Classification: Benign for Telangiectasia, hereditary hemorrhagic, type 1. Last evaluated: 2025-01-31. Review status: criteria provided, single submitter. Criteria: DeMille et al. (Hum Mutat. 2024). Collection method: clinical testing. Allele origin: germline. Affected: yes. Not counted in ClinVar's aggregate classification.
Comment: BA1

Blueprint Genetics
Classification: Likely benign. Last evaluated: 2024-11-23. Review status: criteria provided, single submitter. Criteria: ACMG Guidelines, 2015. Collection method: clinical testing. Allele origin: germline. Not counted in ClinVar's aggregate classification.

Fulgent Genetics
Classification: Likely benign for Telangiectasia, hereditary hemorrhagic, type 1. Last evaluated: 2022-02-14. Review status: criteria provided, single submitter. Criteria: ACMG Guidelines, 2015. Collection method: clinical testing. Allele origin: unknown. Not counted in ClinVar's aggregate classification.

NIHR Bioresource Rare Diseases, University of Cambridge
Classification: Likely benign for Telangiectasia, hereditary hemorrhagic, type 1. Last evaluated: 2018-01-01. Review status: criteria provided, single submitter. Criteria: ACMG Guidelines, 2015. Collection method: research. Allele origin: unknown. Affected: yes. Observed: 1 variant allele. Not counted in ClinVar's aggregate classification.
Comment: BS1 +BP2+BP6

Eurofins Ntd Llc (ga)
Classification: Benign. Last evaluated: 2016-07-21. Review status: criteria provided, single submitter. Criteria: EGL Classification Definitions 2015. Collection method: clinical testing. Allele origin: germline. Observed: 2 variant alleles, 2 heterozygotes. Not counted in ClinVar's aggregate classification.

Ambry Genetics
Classification: Benign for Cardiovascular phenotype. Last evaluated: 2016-06-09. Review status: criteria provided, single submitter. Criteria: Ambry Variant Classification Scheme 2023. Collection method: clinical testing. Allele origin: germline. Not counted in ClinVar's aggregate classification.

GeneDx
Classification: Benign. Last evaluated: 2016-04-25. Review status: criteria provided, single submitter. Criteria: GeneDx Variant Classification (06012015). Collection method: clinical testing. Allele origin: germline. Affected: yes. Not counted in ClinVar's aggregate classification.
Comment: This variant is considered likely benign or benign based on one or more of the following criteria: it is a conservative change, it occurs at a poorly conserved position in the protein, it is predicted to be benign by multiple in silico algorithms, and/or has population frequency not consistent with disease.

Laboratory for Molecular Medicine, Mass General Brigham Personalized Medicine
Classification: Benign. Last evaluated: 2016-04-25. Review status: criteria provided, single submitter. Criteria: LMM Criteria. Collection method: clinical testing. Allele origin: germline. Observed: 1 variant allele. Not counted in ClinVar's aggregate classification.
Comment: Disclaimer: This variant has not undergone full assessment. The following are pr eliminary notes: High frequency

Mayo Clinic Laboratories, Mayo Clinic
Classification: Benign. Last evaluated: 2014-04-04. Review status: criteria provided, single submitter. Criteria: ACMG Guidelines, 2015. Collection method: clinical testing. Allele origin: germline. Observed: 29 variant alleles. Not counted in ClinVar's aggregate classification.

Breakthrough Genomics
Classification: Likely benign. Review status: criteria provided, single submitter. Criteria: ACMG Guidelines, 2015. Collection method: not provided. Allele origin: germline. Inheritance: Autosomal dominant inheritance. Affected: yes. Not counted in ClinVar's aggregate classification.

PreventionGenetics, part of Exact Sciences
Classification: Benign for ENG-related condition. Last evaluated: 2019-05-17. Review status: no assertion criteria provided. Collection method: clinical testing. Allele origin: germline. Not counted in ClinVar's aggregate classification.
Comment: This variant is classified as benign based on ACMG/AMP sequence variant interpretation guidelines (Richards et al. 2015 PMID: 25741868, with internal and published modifications).

Clinical Genetics, Academic Medical Center
Classification: Benign. Review status: no assertion criteria provided. Collection method: clinical testing. Allele origin: germline. Affected: yes. Study: VKGL Data-share Consensus. Not counted in ClinVar's aggregate classification.

Diagnostic Laboratory, Department of Genetics, University Medical Center Groningen
Classification: Benign. Review status: no assertion criteria provided. Collection method: clinical testing. Allele origin: germline. Affected: yes. Study: VKGL Data-share Consensus. Not counted in ClinVar's aggregate classification.

Genome Diagnostics Laboratory, Amsterdam University Medical Center
Classification: Benign. Review status: no assertion criteria provided. Collection method: clinical testing. Allele origin: germline. Affected: yes. Study: VKGL Data-share Consensus. Not counted in ClinVar's aggregate classification.

Genome Diagnostics Laboratory, University Medical Center Utrecht
Classification: Likely benign. Review status: no assertion criteria provided. Collection method: clinical testing. Allele origin: germline. Affected: yes. Study: VKGL Data-share Consensus. Not counted in ClinVar's aggregate classification.

Literature cited by the submitters: PubMed 32573726 (cited by NIHR Bioresource Rare Diseases, University of Cambridge).

NM_001114753.3(ENG):c.572G>A (p.Gly191Asp)

Gene: ENG (endoglin; minus strand). Cytogenetic location: 9q34.11.
Variant type: single nucleotide variant.
Coding change: c.572G>A on transcript NM_001114753.3 (MANE Select); coding-DNA position 572, G replaced by A.
Protein change: p.Gly191Asp; replaces glycine 191 with aspartic acid.
Molecular consequence: missense variant.
Genome position (GRCh38, 1-based): chr9:127,825,812, C>T on the plus strand (G>A on the coding strand, the complement: ENG is on the minus strand). VCF-style: chr9-127825812-C-T. GRCh37 (hg19) VCF-style: chr9-130588091-C-T.
Other names: p.G191D:GGC>GAC; NM_001114753.3(ENG):c.572G>A; c.572G>A, p.Gly191Asp (NM_000118.4, NM_001406715.1); c.26G>A, p.Gly9Asp (NM_001278138.2); short protein forms G191D, G9D.
Identifiers: ClinVar variation 213200 (VCV000213200.77), dbSNP rs41322046, ClinGen allele CA325327.